The following is an entry in ClinVar:

ClinVar aggregate classification (germline): Uncertain significance (1 of 4 stars; one submission).

Conditions:
Progressive sclerosing poliodystrophy (MTDPS4A). Also called: Mitochondrial DNA depletion syndrome 4A (Alpers type); ALPERS PROGRESSIVE INFANTILE POLIODYSTROPHY; NEURONAL DEGENERATION OF CHILDHOOD WITH LIVER DISEASE, PROGRESSIVE; Mitochondrial DNA Depletion Syndrome 4A; Alpers-Huttenlocher Syndrome (AHS); Alpers Syndrome. Identifiers: Orphanet 726, MedGen C0205710, MONDO:0008758, OMIM 203700.

Submission:

Labcorp Genetics (formerly Invitae), Labcorp
Classification: Uncertain significance for Progressive sclerosing poliodystrophy. Last evaluated: 2024-03-21. Review status: criteria provided, single submitter. Criteria: Invitae Variant Classification Sherloc (09022015). Collection method: clinical testing. Allele origin: germline.
Comment: This sequence change affects codon 329 of the POLG mRNA. It is a 'silent' change, meaning that it does not change the encoded amino acid sequence of the POLG protein. This variant is not present in population databases (gnomAD no frequency). This variant has not been reported in the literature in individuals affected with POLG-related conditions. ClinVar contains an entry for this variant (Variation ID: 1400270). Algorithms developed to predict the effect of sequence changes on RNA splicing suggest that this variant may create or strengthen a splice site. In summary, the available evidence is currently insufficient to determine the role of this variant in disease. Therefore, it has been classified as a Variant of Uncertain Significance.

NM_002693.3(POLG):c.987C>T (p.Gly329=)

Gene: POLG (DNA polymerase gamma, catalytic subunit; minus strand). Cytogenetic location: 15q26.1.
Variant type: single nucleotide variant.
Coding change: c.987C>T on transcript NM_002693.3 (MANE Select); coding-DNA position 987, C replaced by T.
Protein change: p.Gly329=; no amino-acid change (glycine 329 retained).
Molecular consequence: synonymous variant.
Genome position (GRCh38, 1-based): chr15:89,328,979, G>A on the plus strand (C>T on the coding strand, the complement: POLG is on the minus strand). VCF-style: chr15-89328979-G-A. GRCh37 (hg19) VCF-style: chr15-89872210-G-A.
Other names: c.987C>T, p.Gly329= (NM_001126131.2).
Identifiers: ClinVar variation 1400270 (VCV001400270.8), dbSNP rs2152068113, ClinGen allele CA492078011.